The following is an entry in ClinVar:

ClinVar aggregate classification (germline): Likely pathogenic (1 of 4 stars; one submission).

Conditions:
Muscular dystrophy-dystroglycanopathy (congenital without impaired intellectual development), type B, 4. Also called: MUSCULAR DYSTROPHY, CONGENITAL, FKTN-RELATED; Muscular dystrophy-dystroglycanopathy (congenital without intellectual disability), type B4. Identifiers: MedGen C2751052, MONDO:0013156, OMIM 613152.

Submission:

Kariminejad - Najmabadi Pathology & Genetics Center
Classification: Likely pathogenic for Muscular dystrophy-dystroglycanopathy (congenital without impaired intellectual development), type B, 4. Last evaluated: 2021-06-27. Review status: criteria provided, single submitter. Criteria: ACMG Guidelines, 2015. Collection method: clinical testing. Allele origin: germline. Inheritance: Autosomal recessive inheritance. Affected: yes.
Comment: [PM2 PP3]+PS1

NM_001079802.2(FKTN):c.739T>C (p.Phe247Leu)

Gene: FKTN (fukutin; plus strand). Cytogenetic location: 9q31.2.
Variant type: single nucleotide variant.
Coding change: c.739T>C on transcript NM_001079802.2 (MANE Select); coding-DNA position 739, T replaced by C.
Protein change: p.Phe247Leu; replaces phenylalanine 247 with leucine.
Molecular consequence: missense variant. On other transcripts: non-coding transcript variant (2).
Genome position (GRCh38, 1-based): chr9:105,607,910, T>C. VCF-style: chr9-105607910-T-C. GRCh37 (hg19) VCF-style: chr9-108370191-T-C.
Other names: c.739T>C, p.Phe247Leu (NM_001198963.2, NM_001351496.2, NM_001351498.2 and 1 more transcripts); c.670T>C, p.Phe224Leu (NM_001351497.2); c.343T>C, p.Phe115Leu (NM_001351499.2, NM_001351500.2, NM_001351501.2 and 1 more transcripts); short protein forms F115L, F224L, F247L.
Identifiers: ClinVar variation 3896870 (VCV003896870.1).
Genomic context (GRCh38, chr9:105,607,910, plus strand): 5'-CTGGAAGTTCTCATTCCAAAGGATCCAATGCACTTTGTAGAAGAAGTACCACACTCTAGG[T>C]TTATTGAGTGTAGGTATAAAGAAGCTCGAGCATTCTTTCAGGTTAGAGACAACCAAATGT-3'
Protein context (NP_001073270.1, residues 237-257): HFVEEVPHSR[Phe247Leu]IECRYKEARA